The following is an entry in ClinVar:

NR_023317.1(RNU7-1):n.58G>C

Genes: C12orf57 (chromosome 12 open reading frame 57; plus strand), RNU7-1 (RNA, U7 small nuclear 1; plus strand). Cytogenetic location: 12p13.31.
Variant type: single nucleotide variant.
Molecular consequence: non-coding transcript variant (on NR_023317.1). On other transcripts: intron variant (2).
Genome position: GRCh38 VCF-style: chr12-6943873-G-C. GRCh37 (hg19) VCF-style: chr12-7053036-G-C.
Other names: c.13+211G>C (NM_001301836.2); c.-16+211G>C (NM_001301834.1).
Identifiers: ClinVar variation 4293682 (VCV004293682.1).

ClinVar aggregate classification (germline): Uncertain significance (1 of 4 stars; one submission).

Conditions:
Aicardi-Goutieres syndrome 9. Identifiers: MedGen C5561966, MONDO:0030362, OMIM 619487.

gnomAD v4.1: 3 of 965,960 alleles (0.00031%); highest among the groups gnomAD compares: Admixed American, 0.0031%; no homozygotes.

Submission:

3billion
Classification: Uncertain significance for Aicardi-Goutieres syndrome 9. Last evaluated: 2024-10-15. Review status: criteria provided, single submitter. Criteria: ACMG Guidelines, 2015. Collection method: clinical testing. Allele origin: germline. Affected: yes.
Comment: The variant is observed at an extremely low frequency in the gnomAD v4.1.0 dataset (total allele frequency: 0.065%). Predicted Consequence/Location: non_coding_transcript_exon_variant Functional studies provide moderate evidence of the variant having a damaging effect on the gene or gene product (PMID: 33230297). The variant has been observed in multiple (>3) similarly affected unrelated individuals (PMID: 33230297).The variant has been reported to co-segregate with the disease in at least one similarly affected relative/individual in the same family or similarly affected unrelated family (PMID: 33230297).The variant has been reported at least twice as pathogenic with clinical assertions and evidence for the classification (ClinVar ID: VCV001202611 /PMID: 33230297, VCV001202611 /3billion dataset). Therefore, this variant is classified as Pathogenic according to the recommendation of ACMG/AMP guideline.